The following is an entry in ClinVar:

NM_005204.4(MAP3K8):c.375C>T (p.Ser125=)

Gene: MAP3K8 (mitogen-activated protein kinase kinase kinase 8; plus strand). Cytogenetic location: 10p11.23.
Variant type: single nucleotide variant.
Coding change: c.375C>T on transcript NM_005204.4 (MANE Select); coding-DNA position 375, C replaced by T.
Protein change: p.Ser125=; no amino-acid change (serine 125 retained).
Molecular consequence: synonymous variant.
Genome position (GRCh38, 1-based): chr10:30,447,820, C>T. VCF-style: chr10-30447820-C-T. GRCh37 (hg19) VCF-style: chr10-30736749-C-T.
Other names: c.375C>T, p.Ser125= (NM_001244134.1, NM_001320961.2); c.375C>T (NM_005204.3).
Identifiers: ClinVar variation 1625978 (VCV001625978.11), dbSNP rs112441933, ClinGen allele CA5459653.

ClinVar aggregate classification (germline): Likely benign. Review status: criteria provided, multiple submitters, no conflicts (2 of 4 stars). 3 submissions from 3 submitters: Likely benign (2). 1 of the submissions does not count toward it. Last evaluated 2025-12-15.

Conditions:
MAP3K8-related disorder. Also called: MAP3K8-related condition.

Allele frequency attached by ClinVar (database versions not stated): gnomAD exomes 0.00010 and 0.00012; ExAC 0.00014; 1000 Genomes Project 30x 0.00031; TOPMed 0.00032; gnomAD 0.00035; ESP Exome Variant Server 0.00038; 1000 Genomes Project 0.00040.
gnomAD v4.1: 234 of 1,613,684 alleles (0.015%); highest among the groups gnomAD compares: African/African-American, 0.099%; 2 homozygotes.

Submissions (3):

Labcorp Genetics (formerly Invitae), Labcorp
Classification: Likely benign. Last evaluated: 2025-12-15. Review status: criteria provided, single submitter. Criteria: Invitae Variant Classification Sherloc (09022015). Collection method: clinical testing. Allele origin: germline.

Blueprint Genetics
Classification: Likely benign. Last evaluated: 2024-03-05. Review status: criteria provided, single submitter. Criteria: ACMG Guidelines, 2015. Collection method: clinical testing. Allele origin: germline.

PreventionGenetics, part of Exact Sciences
Classification: Likely benign for MAP3K8-related condition. Last evaluated: 2022-08-08. Review status: no assertion criteria provided. Collection method: clinical testing. Allele origin: germline. Not counted in ClinVar's aggregate classification.
Comment: This variant is classified as likely benign based on ACMG/AMP sequence variant interpretation guidelines (Richards et al. 2015 PMID: 25741868, with internal and published modifications).